The following is an entry in ClinVar:

ClinVar aggregate classification (germline): Benign. Review status: criteria provided, multiple submitters, no conflicts (2 of 4 stars). 5 submissions from 5 submitters: Benign (4). 1 of the submissions does not count toward it. Last evaluated 2026-02-04.

Conditions:
FOCAD-related disorder. Also called: FOCAD-related condition.

Allele frequency attached by ClinVar (database versions not stated): 1000 Genomes Project 0.28095; 1000 Genomes Project 30x 0.28623; gnomAD exomes 0.31918 and 0.35203; TOPMed 0.32013; ExAC 0.32427; gnomAD 0.33463 and 0.33673; ESP Exome Variant Server 0.35084.
gnomAD v4.1: 563,917 of 1,611,422 alleles (35%); highest among the groups gnomAD compares: South Asian, 38%; 101,775 homozygotes.

Submissions (5):

Labcorp Genetics (formerly Invitae), Labcorp
Classification: Benign. Last evaluated: 2026-02-04. Review status: criteria provided, single submitter. Criteria: Invitae Variant Classification Sherloc (09022015). Collection method: clinical testing. Allele origin: germline.

GeneDx
Classification: Benign. Last evaluated: 2019-06-14. Review status: criteria provided, single submitter. Criteria: GeneDx Variant Classification Process June 2021. Collection method: clinical testing. Allele origin: germline. Affected: yes.

Laboratory for Molecular Medicine, Mass General Brigham Personalized Medicine
Classification: Benign. Last evaluated: 2016-03-29. Review status: criteria provided, single submitter. Criteria: LMM Criteria. Collection method: clinical testing. Allele origin: germline.
Comment: Variant identified in a genome or exome case(s) and assessed due to predicted null impact of the variant or pathogenic assertions in the literature or databases. Disclaimer: This variant has not undergone full assessment. The following are preliminary notes: Frequency

Breakthrough Genomics
Classification: Benign. Review status: criteria provided, single submitter. Criteria: ACMG Guidelines, 2015. Collection method: not provided. Allele origin: germline. Inheritance: Autosomal recessive inheritance. Affected: yes.

PreventionGenetics, part of Exact Sciences
Classification: Benign for FOCAD-related condition. Last evaluated: 2019-10-17. Review status: no assertion criteria provided. Collection method: clinical testing. Allele origin: germline. Not counted in ClinVar's aggregate classification.
Comment: This variant is classified as benign based on ACMG/AMP sequence variant interpretation guidelines (Richards et al. 2015 PMID: 25741868, with internal and published modifications).

NM_001375567.1(FOCAD):c.497T>C (p.Leu166Ser)

Gene: FOCAD (focadhesin; plus strand). Cytogenetic location: 9p21.3.
Variant type: single nucleotide variant.
Coding change: c.497T>C on transcript NM_001375567.1 (MANE Select); coding-DNA position 497, T replaced by C.
Protein change: p.Leu166Ser; replaces leucine 166 with serine.
Molecular consequence: missense variant.
Genome position (GRCh38, 1-based): chr9:20,764,871, T>C. VCF-style: chr9-20764871-T-C. GRCh37 (hg19) VCF-style: chr9-20764870-T-C.
Other names: c.497T>C, p.Leu166Ser (NM_001375568.1, NM_017794.5); c.392T>C, p.Leu131Ser (NM_001375570.1); short protein forms L166S, L131S.
Identifiers: ClinVar variation 402871 (VCV000402871.12), dbSNP rs10511687, ClinGen allele CA5006387.